The following is an entry in ClinVar:

NM_017636.4(TRPM4):c.2478C>T (p.Cys826=)

Gene: TRPM4 (transient receptor potential cation channel subfamily M member 4; plus strand). Cytogenetic location: 19q13.33.
Variant type: single nucleotide variant.
Coding change: c.2478C>T on transcript NM_017636.4 (MANE Select); coding-DNA position 2478, C replaced by T.
Protein change: p.Cys826=; no amino-acid change (cysteine 826 retained).
Molecular consequence: synonymous variant. On other transcripts: intron variant (1).
Genome position (GRCh38, 1-based): chr19:49,196,707, C>T. VCF-style: chr19-49196707-C-T. GRCh37 (hg19) VCF-style: chr19-49699964-C-T.
Other names: c.2133C>T, p.Cys711= (NM_001321281.2); c.870C>T, p.Cys290= (NM_001321282.2); c.1956C>T, p.Cys652= (NM_001321283.2); c.1416C>T, p.Cys472= (NM_001321285.2); c.2211-3593C>T (NM_001195227.2).
Identifiers: ClinVar variation 4847609 (VCV004847609.1).

ClinVar aggregate classification (germline): Uncertain significance (1 of 4 stars; one submission).

gnomAD v4.1: 2 of 1,551,474 alleles (0.00013%); highest among the groups gnomAD compares: South Asian, 0.0012%; no homozygotes.

Submission:

Women's Health and Genetics/Laboratory Corporation of America, LabCorp
Classification: Uncertain significance. Last evaluated: 2026-03-30. Review status: criteria provided, single submitter. Criteria: LabCorp Variant Classification Summary - May 2015. Collection method: clinical testing. Allele origin: germline.
Comment: Variant summary: TRPM4 c.2478C>T alters a conserved nucleotide resulting in a synonymous change. Several computational tools predict a significant impact on normal splicing: Three predict the variant creates a 5' donor site. However, these predictions have yet to be confirmed by functional studies. The variant was absent in 159694 control chromosomes (gnomAD). The available data on variant occurrences in the general population are insufficient to allow any conclusion about variant significance. To our knowledge, no occurrence of c.2478C>T in individuals affected with TRPM4-related conditions and no experimental evidence demonstrating its impact on protein function have been reported. No submitters have cited clinical-significance assessments for this variant to ClinVar. Based on the evidence outlined above, the variant was classified as uncertain significance.